The following is an entry in ClinVar:

ClinVar aggregate classification (germline): Uncertain significance (1 of 4 stars; one submission).

Submission:

Labcorp Genetics (formerly Invitae), Labcorp
Classification: Uncertain significance. Last evaluated: 2020-07-16. Review status: criteria provided, single submitter. Criteria: Invitae Variant Classification Sherloc (09022015). Collection method: clinical testing. Allele origin: germline.
Comment: This sequence change falls in intron 5 of the GPT gene. It does not directly change the encoded amino acid sequence of the GPT protein. The frequency data for this variant in the population databases is considered unreliable, as metrics indicate insufficient coverage at this position in the ExAC database. This variant has not been reported in the literature in individuals with GPT-related conditions. Algorithms developed to predict the effect of sequence changes on RNA splicing suggest that this variant may create or strengthen a splice site, but this prediction has not been confirmed by published transcriptional studies. In summary, the available evidence is currently insufficient to determine the role of this variant in disease. Therefore, it has been classified as a Variant of Uncertain Significance.

NM_005309.3(GPT):c.739+43_739+84del

Gene: GPT (glutamic--pyruvic transaminase; plus strand). Cytogenetic location: 8q24.3.
Variant type: Deletion.
Coding change: c.739+43_739+84del on transcript NM_005309.3 (MANE Select); bases 43 to 84 of the intron after coding-DNA position 739, 42 bases deleted.
Molecular consequence: splice donor variant.
Genome position (GRCh38, 1-based): chr8:144,505,532-144,505,573, 42 bases deleted; deleting any 42 consecutive bases within chr8:144,505,491-144,505,573 gives the same sequence; the c. name uses the placement nearest the transcript's 3' end. GRCh37 (hg19): chr8:145,730,915-145,730,956.
Other names: c.739+43_739+84del (NM_001382665.1, NM_001382664.1).
Identifiers: ClinVar variation 2052187 (VCV002052187.1), dbSNP rs1307602824, ClinGen allele CA1120279126.